The following is an entry in ClinVar:

NM_006514.4(SCN10A):c.40C>T (p.Arg14Cys)

Gene: SCN10A (sodium voltage-gated channel alpha subunit 10; minus strand). Cytogenetic location: 3p22.2.
Variant type: single nucleotide variant.
Coding change: c.40C>T on transcript NM_006514.4 (MANE Select); coding-DNA position 40, C replaced by T.
Protein change: p.Arg14Cys; replaces arginine 14 with cysteine.
Molecular consequence: missense variant.
Genome position (GRCh38, 1-based): chr3:38,793,971, G>A on the plus strand (C>T on the coding strand, the complement: SCN10A is on the minus strand). VCF-style: chr3-38793971-G-A. GRCh37 (hg19) VCF-style: chr3-38835462-G-A.
Other names: c.40C>T, p.Arg14Cys (NM_001293306.2, NM_001293307.2); short protein forms R14C.
Identifiers: ClinVar variation 569822 (VCV000569822.9), dbSNP rs750771811, ClinGen allele CA2321317.

ClinVar aggregate classification (germline): Uncertain significance. Review status: criteria provided, multiple submitters, no conflicts (2 of 4 stars). 2 submissions from 2 submitters: Uncertain significance (2). Last evaluated 2025-08-26.

Conditions:
Cardiovascular phenotype. Identifiers: MedGen CN230736.
Brugada syndrome. Also called: Sudden unexplained nocturnal death syndrome; Sudden Unexplained Death Syndrome; Sudden Unexplained Nocturnal Death Syndrome (SUNDS); Sudden unexpected nocturnal death syndrome. Identifiers: Orphanet 130, MedGen C1142166, MONDO:0015263.

Allele frequency attached by ClinVar (database versions not stated): ExAC 0.00002; gnomAD exomes 0.00002; TOPMed 0.00003.
gnomAD v4.1: 23 of 1,613,934 alleles (0.0014%); highest among the groups gnomAD compares: African/African-American, 0.0093%; no homozygotes.

Submissions (2):

Labcorp Genetics (formerly Invitae), Labcorp
Classification: Uncertain significance for Brugada syndrome. Last evaluated: 2025-08-26. Review status: criteria provided, single submitter. Criteria: Invitae Variant Classification Sherloc (09022015). Collection method: clinical testing. Allele origin: germline.
Comment: This sequence change replaces arginine, which is basic and polar, with cysteine, which is neutral and slightly polar, at codon 14 of the SCN10A protein (p.Arg14Cys). This variant is present in population databases (rs750771811, gnomAD 0.007%). This variant has not been reported in the literature in individuals affected with SCN10A-related conditions. ClinVar contains an entry for this variant (Variation ID: 569822). Invitae Evidence Modeling of protein sequence and biophysical properties (such as structural, functional, and spatial information, amino acid conservation, physicochemical variation, residue mobility, and thermodynamic stability) indicates that this missense variant is not expected to disrupt SCN10A protein function with a negative predictive value of 80%. In summary, the available evidence is currently insufficient to determine the role of this variant in disease. Therefore, it has been classified as a Variant of Uncertain Significance.

Ambry Genetics
Classification: Uncertain significance for Cardiovascular phenotype. Last evaluated: 2025-01-06. Review status: criteria provided, single submitter. Criteria: Ambry Variant Classification Scheme 2023. Collection method: clinical testing. Allele origin: germline.
Comment: The p.R14C variant (also known as c.40C>T), located in coding exon 1 of the SCN10A gene, results from a C to T substitution at nucleotide position 40. The arginine at codon 14 is replaced by cysteine, an amino acid with highly dissimilar properties. This amino acid position is conserved. In addition, the in silico prediction for this alteration is inconclusive. Since supporting evidence is limited at this time, the clinical significance of this alteration remains unclear.